The following is an entry in ClinVar:

ClinVar aggregate classification (germline): Uncertain significance (1 of 4 stars; one submission).

Allele frequency attached by ClinVar (database versions not stated): ExAC 0.00001; gnomAD exomes 0.00002; gnomAD 0.00004; TOPMed 0.00005.

Submission:

Labcorp Genetics (formerly Invitae), Labcorp
Classification: Uncertain significance. Last evaluated: 2025-11-15. Review status: criteria provided, single submitter. Criteria: Invitae Variant Classification Sherloc (09022015). Collection method: clinical testing. Allele origin: germline.
Comment: This sequence change replaces valine, which is neutral and non-polar, with isoleucine, which is neutral and non-polar, at codon 257 of the CAPN1 protein (p.Val257Ile). This variant is present in population databases (rs11554993, gnomAD 0.006%). This variant has not been reported in the literature in individuals affected with CAPN1-related conditions. ClinVar contains an entry for this variant (Variation ID: 2078108). An algorithm developed to predict the effect of missense changes on protein structure and function outputs the following: PolyPhen-2: "Benign". The isoleucine amino acid residue is found in multiple mammalian species, which suggests that this missense change does not adversely affect protein function. In summary, the available evidence is currently insufficient to determine the role of this variant in disease. Therefore, it has been classified as a Variant of Uncertain Significance.

NM_005186.4(CAPN1):c.769G>A (p.Val257Ile)

Gene: CAPN1 (calpain 1; plus strand). Cytogenetic location: 11q13.1.
Variant type: single nucleotide variant.
Coding change: c.769G>A on transcript NM_005186.4 (MANE Select); coding-DNA position 769, G replaced by A.
Protein change: p.Val257Ile; replaces valine 257 with isoleucine.
Molecular consequence: missense variant. On other transcripts: non-coding transcript variant (1).
Genome position (GRCh38, 1-based): chr11:65,187,224, G>A. VCF-style: chr11-65187224-G-A. GRCh37 (hg19) VCF-style: chr11-64954695-G-A.
Other names: c.769G>A, p.Val257Ile (NM_001198868.2, NM_001198869.2); c.607G>A, p.Val203Ile (NM_001198870.1); short protein forms V257I, V203I.
Identifiers: ClinVar variation 2078108 (VCV002078108.2), dbSNP rs11554993, ClinGen allele CA6093189.